The following is an entry in ClinVar:

NM_000260.4(MYO7A):c.5944+67C>T

Gene: MYO7A (myosin VIIA; plus strand). Cytogenetic location: 11q13.5.
Variant type: single nucleotide variant.
Coding change: c.5944+67C>T on transcript NM_000260.4 (MANE Select); 67 bases into the intron after coding-DNA position 5944, C replaced by T.
Molecular consequence: intron variant.
Genome position (GRCh38, 1-based): chr11:77,208,584, C>T. VCF-style: chr11-77208584-C-T. GRCh37 (hg19) VCF-style: chr11-76919629-C-T.
Other names: c.5797+67C>T (NM_001369365.1); c.5830+67C>T (NM_001127180.2).
Identifiers: ClinVar variation 674388 (VCV000674388.5), dbSNP rs948960, ClinGen allele CA13389091.

ClinVar aggregate classification (germline): Benign. Review status: criteria provided, multiple submitters, no conflicts (2 of 4 stars). 5 submissions from 3 submitters: Benign (5). Last evaluated 2021-07-01.

Conditions:
Usher syndrome type 1 (USH1). Also called: RETINITIS PIGMENTOSA AND CONGENITAL DEAFNESS. Identifiers: Orphanet 231169, Orphanet 886, MedGen C1568247, MONDO:0010168, OMIM 276900.
Autosomal dominant nonsyndromic hearing loss 11. Identifiers: Orphanet 90635, MedGen C1832475, MONDO:0011032, OMIM 601317.
Autosomal recessive nonsyndromic hearing loss 2. Also called: DEAFNESS, AUTOSOMAL RECESSIVE 2; NEUROSENSORY NONSYNDROMIC RECESSIVE DEAFNESS 2. Identifiers: Orphanet 90636, MedGen C1838701, MONDO:0010807, OMIM 600060.

Allele frequency attached by ClinVar (database versions not stated): 1000 Genomes Project 0.50859; 1000 Genomes Project 30x 0.51218; gnomAD exomes 0.55845; gnomAD 0.55877 and 0.56521; TOPMed 0.56001.
gnomAD v4.1: 861,901 of 1,544,292 alleles (56%); highest among the groups gnomAD compares: Admixed American, 65%; 243,175 homozygotes.

Submissions (5):

Genome-Nilou Lab
Classification: Benign for Autosomal dominant nonsyndromic hearing loss 11. Last evaluated: 2021-07-01. Review status: criteria provided, single submitter. Criteria: ACMG Guidelines, 2015. Collection method: clinical testing. Allele origin: germline. Affected: no.

Genome-Nilou Lab
Classification: Benign for Autosomal recessive nonsyndromic hearing loss 2. Last evaluated: 2021-07-01. Review status: criteria provided, single submitter. Criteria: ACMG Guidelines, 2015. Collection method: clinical testing. Allele origin: germline. Affected: no.

Genome-Nilou Lab
Classification: Benign for Usher syndrome type 1. Last evaluated: 2021-07-01. Review status: criteria provided, single submitter. Criteria: ACMG Guidelines, 2015. Collection method: clinical testing. Allele origin: germline. Affected: no.

GeneDx
Classification: Benign. Last evaluated: 2018-06-13. Review status: criteria provided, single submitter. Criteria: GeneDx Variant Classification (06012015). Collection method: clinical testing. Allele origin: germline. Affected: yes.
Comment: This variant is considered likely benign or benign based on one or more of the following criteria: it is a conservative change, it occurs at a poorly conserved position in the protein, it is predicted to be benign by multiple in silico algorithms, and/or has population frequency not consistent with disease.

Breakthrough Genomics
Classification: Benign. Review status: criteria provided, single submitter. Criteria: ACMG Guidelines, 2015. Collection method: not provided. Allele origin: germline. Inheritance: Autosomal recessive inheritance. Affected: yes.